The following is an entry in ClinVar:

ClinVar aggregate classification (germline): Benign/Likely benign. Review status: criteria provided, multiple submitters, no conflicts (2 of 4 stars). 3 submissions from 3 submitters: Benign (1); Likely benign (2). Last evaluated 2026-01-01.

Allele frequency attached by ClinVar (database versions not stated): gnomAD exomes 0.00005; ExAC 0.00008; TOPMed 0.00009; gnomAD 0.00010; ESP Exome Variant Server 0.00023.
gnomAD v4.1: 97 of 1,610,296 alleles (0.006%); highest among the groups gnomAD compares: Non-Finnish European, 0.0024%; no homozygotes.

Submissions (3):

CeGaT Center for Human Genetics Tuebingen
Classification: Likely benign. Last evaluated: 2026-01-01. Review status: criteria provided, single submitter. Criteria: CeGaT Center For Human Genetics Tuebingen Variant Classification Criteria Version 2. Collection method: clinical testing. Allele origin: germline. Affected: yes. Observed: 2 variant alleles.
Comment: SMARCA2: BP4, BP7

Labcorp Genetics (formerly Invitae), Labcorp
Classification: Benign. Last evaluated: 2025-10-13. Review status: criteria provided, single submitter. Criteria: Invitae Variant Classification Sherloc (09022015). Collection method: clinical testing. Allele origin: germline.

Blueprint Genetics
Classification: Likely benign. Last evaluated: 2024-09-10. Review status: criteria provided, single submitter. Criteria: ACMG Guidelines, 2015. Collection method: clinical testing. Allele origin: germline.

NM_003070.5(SMARCA2):c.4377T>C (p.His1459=)

Gene: SMARCA2 (SWI/SNF related BAF chromatin remodeling complex subunit ATPase 2; plus strand). Cytogenetic location: 9p24.3.
Variant type: single nucleotide variant.
Coding change: c.4377T>C on transcript NM_003070.5 (MANE Select); coding-DNA position 4377, T replaced by C.
Protein change: p.His1459=; no amino-acid change (histidine 1459 retained).
Molecular consequence: synonymous variant.
Genome position (GRCh38, 1-based): chr9:2,182,158, T>C. VCF-style: chr9-2182158-T-C. GRCh37 (hg19) VCF-style: chr9-2182158-T-C.
Other names: c.4377T>C, p.His1459= (NM_001289396.2); c.4149T>C, p.His1383= (NM_001289397.2); c.351T>C, p.His117= (NM_001289398.2); c.435T>C, p.His145= (NM_001289399.2); c.441T>C, p.His147= (NM_001289400.2); c.4323T>C, p.His1441= (NM_139045.4).
Identifiers: ClinVar variation 1879729 (VCV001879729.34), dbSNP rs138542624, ClinGen allele CA4964153.